The following is an entry in ClinVar:

ClinVar aggregate classification (germline): Uncertain significance (1 of 4 stars; one submission).

gnomAD v4.1: 1 of 1,613,148 alleles (0.000062%); highest among the groups gnomAD compares: Admixed American, 0.0017%; no homozygotes.

Submission:

GeneDx
Classification: Uncertain significance. Last evaluated: 2024-01-03. Review status: criteria provided, single submitter. Criteria: GeneDx Variant Classification Process June 2021. Collection method: clinical testing. Allele origin: germline. Affected: yes.
Comment: Not observed at significant frequency in large population cohorts (gnomAD); In silico analysis supports that this missense variant does not alter protein structure/function; In silico analysis is inconclusive as to whether the variant alters gene splicing. In the absence of RNA/functional studies, the actual effect of this sequence change is unknown.; Has not been previously published as pathogenic or benign to our knowledge

NM_152730.6(TBC1D32):c.2224G>A (p.Gly742Ser)

Gene: TBC1D32 (TBC1 domain family member 32; minus strand). Cytogenetic location: 6q22.31.
Variant type: single nucleotide variant.
Coding change: c.2224G>A on transcript NM_152730.6 (MANE Select); coding-DNA position 2224, G replaced by A.
Protein change: p.Gly742Ser; replaces glycine 742 with serine.
Molecular consequence: missense variant. On other transcripts: non-coding transcript variant (1).
Genome position (GRCh38, 1-based): chr6:121,241,486, C>T on the plus strand (G>A on the coding strand, the complement: TBC1D32 is on the minus strand). VCF-style: chr6-121241486-C-T. GRCh37 (hg19) VCF-style: chr6-121562632-C-T.
Other names: c.2224G>A, p.Gly742Ser (NM_001367759.1, NM_001367760.1); short protein forms G742S.
Identifiers: ClinVar variation 3370249 (VCV003370249.1).
Genomic context (GRCh38, chr6:121,241,486, plus strand): 5'-TTAAAATAATTATAATTCTAATGAAAAGAAAACATTTACCTGACTTTTTTAGTGCAATGC[C>T]ACCTGCTGCTGTTGATGCCACTCGTGTAACCAAAACTCCATAGCCAAATTTTTTATGCCT-3'
Protein context (NP_689943.4, residues 732-752): VTRVASTAAG[Gly742Ser]IALKKSGFIN